The following is an entry in ClinVar:

ClinVar aggregate classification (germline): Uncertain significance (1 of 4 stars; one submission).

Submission:

CeGaT Center for Human Genetics Tuebingen
Classification: Uncertain significance. Last evaluated: 2024-07-01. Review status: criteria provided, single submitter. Criteria: CeGaT Center For Human Genetics Tuebingen Variant Classification Criteria Version 2. Collection method: clinical testing. Allele origin: germline. Affected: yes. Observed: 1 variant allele.
Comment: CAMK2B: PM2, BP4

NM_001220.5(CAMK2B):c.1312G>A (p.Ala438Thr)

Gene: CAMK2B (calcium/calmodulin dependent protein kinase II beta; minus strand). Cytogenetic location: 7p13.
Variant type: single nucleotide variant.
Coding change: c.1312G>A on transcript NM_001220.5 (MANE Select); coding-DNA position 1312, G replaced by A.
Protein change: p.Ala438Thr; replaces alanine 438 with threonine.
Molecular consequence: missense variant. On other transcripts: intron variant (8).
Genome position (GRCh38, 1-based): chr7:44,229,415, C>T on the plus strand (G>A on the coding strand, the complement: CAMK2B is on the minus strand). VCF-style: chr7-44229415-C-T. GRCh37 (hg19) VCF-style: chr7-44269014-C-T.
Other names: c.947-8514G>A (NM_172084.3); c.1150+1591G>A (NM_172080.3); c.1036+1591G>A (NM_172083.3); c.1108+1591G>A (NM_172081.3); c.1153+1591G>A (NM_172079.3, NM_172082.3); c.1225+1591G>A (NM_001293170.2, NM_172078.3); short protein forms A438T.
Identifiers: ClinVar variation 3257390 (VCV003257390.17).